The following is an entry in ClinVar:

NM_001374736.1(DST):c.3187-199G>T

Gene: DST (dystonin; minus strand). Cytogenetic location: 6p12.1.
Variant type: single nucleotide variant.
Coding change: c.3187-199G>T on transcript NM_001374736.1 (MANE Select); 199 bases into the intron before coding-DNA position 3187, G replaced by T.
Molecular consequence: intron variant.
Genome position (GRCh38, 1-based): chr6:56,635,152, C>A on the plus strand (G>T on the coding strand, the complement: DST is on the minus strand). VCF-style: chr6-56635152-C-A. GRCh37 (hg19) VCF-style: chr6-56499950-C-A.
Other names: c.3088-199G>T (NM_001144769.5); c.3187-199G>T (NM_001374722.1); c.3214-199G>T (NM_001374734.1); c.2674-199G>T (NM_001144770.2); c.2554-199G>T (NM_001374730.1, NM_001386100.1, NM_183380.4 and 1 more transcripts); c.1576-199G>T (NM_015548.5, NM_001723.7).
Identifiers: ClinVar variation 1683912 (VCV001683912.2), dbSNP rs146927886, ClinGen allele CA139217735.

ClinVar aggregate classification (germline): Likely benign (1 of 4 stars; one submission).

Allele frequency attached by ClinVar (database versions not stated): 1000 Genomes Project 0.00459; 1000 Genomes Project 30x 0.00515; gnomAD 0.00534 and 0.00574; TOPMed 0.00635.
gnomAD v4.1: 802 of 152,212 alleles (0.53%); highest among the groups gnomAD compares: African/African-American, 1.8%; 6 homozygotes.

Submission:

GeneDx
Classification: Likely benign. Last evaluated: 2021-10-01. Review status: criteria provided, single submitter. Criteria: GeneDx Variant Classification Process June 2021. Collection method: clinical testing. Allele origin: germline. Affected: yes.
Comment: See Variant Classification Assertion Criteria.